The following is an entry in ClinVar:

NM_004360.5(CDH1):c.1711+6G>T

Gene: CDH1 (cadherin 1; plus strand). Cytogenetic location: 16q22.1.
Variant type: single nucleotide variant.
Coding change: c.1711+6G>T on transcript NM_004360.5 (MANE Select); 6 bases into the intron after coding-DNA position 1711, G replaced by T.
Molecular consequence: intron variant.
Genome position (GRCh38, 1-based): chr16:68,819,431, G>T. VCF-style: chr16-68819431-G-T. GRCh37 (hg19) VCF-style: chr16-68853334-G-T.
Other names: c.163+6G>T (NM_001317185.2); c.-254-2570G>T (NM_001317186.2); c.1528+6G>T (NM_001317184.2).
Identifiers: ClinVar variation 491511 (VCV000491511.14), dbSNP rs1555516597, ClinGen allele CA658683957.

ClinVar aggregate classification (germline): Conflicting classifications of pathogenicity. Review status: criteria provided, conflicting classifications (1 of 4 stars). 4 submissions from 4 submitters: Uncertain significance (1); Likely benign (3). Last evaluated 2025-03-04.

Conditions:
Hereditary cancer-predisposing syndrome. Also called: Tumor predisposition; Neoplastic Syndromes, Hereditary; Hereditary Cancer Syndrome; Hereditary neoplastic syndrome. Identifiers: Orphanet 140162, MedGen C0027672, MeSH D009386, MONDO:0015356.
Hereditary diffuse gastric adenocarcinoma (HDGC). Also called: DIFFUSE GASTRIC AND LOBULAR BREAST CANCER SYNDROME. Identifiers: Orphanet 26106, MedGen C1708349, MONDO:0007648, OMIM 137215.

Allele frequency attached by ClinVar (database versions not stated): gnomAD 0.00001.
gnomAD v4.1: 1 of 1,612,970 alleles (0.000062%); highest among the groups gnomAD compares: Non-Finnish European, 0.000085%; no homozygotes.

Submissions (4):

Center for Genomic Medicine, Rigshospitalet, Copenhagen University Hospital
Classification: Likely benign. Last evaluated: 2025-03-04. Review status: criteria provided, single submitter. Criteria: ACMG Guidelines, 2015. Collection method: clinical testing. Allele origin: germline.

Myriad Genetics, Inc.
Classification: Likely benign for Hereditary diffuse gastric adenocarcinoma. Last evaluated: 2024-09-19. Review status: criteria provided, single submitter. Criteria: Myriad Autosomal Dominant, Autosomal Recessive and X-Linked Classification Criteria (2023). Collection method: clinical testing. Allele origin: unknown.
Comment: This variant is considered likely benign. This variant is intronic and is not expected to impact mRNA splicing.

Labcorp Genetics (formerly Invitae), Labcorp
Classification: Uncertain significance for Hereditary diffuse gastric adenocarcinoma. Last evaluated: 2023-10-13. Review status: criteria provided, single submitter. Criteria: Invitae Variant Classification Sherloc (09022015). Collection method: clinical testing. Allele origin: germline.
Comment: This sequence change falls in intron 11 of the CDH1 gene. It does not directly change the encoded amino acid sequence of the CDH1 protein. It affects a nucleotide within the consensus splice site. This variant is not present in population databases (gnomAD no frequency). This variant has not been reported in the literature in individuals affected with CDH1-related conditions. ClinVar contains an entry for this variant (Variation ID: 491511). Variants that disrupt the consensus splice site are a relatively common cause of aberrant splicing (PMID: 17576681, 9536098). Algorithms developed to predict the effect of sequence changes on RNA splicing suggest that this variant is not likely to affect RNA splicing. In summary, the available evidence is currently insufficient to determine the role of this variant in disease. Therefore, it has been classified as a Variant of Uncertain Significance.

Color Diagnostics, LLC DBA Color Health
Classification: Likely benign for Hereditary cancer-predisposing syndrome. Last evaluated: 2017-01-17. Review status: criteria provided, single submitter. Criteria: ACMG Guidelines, 2015. Collection method: clinical testing. Allele origin: germline.

Literature cited by the submitters: PubMed 17576681 (cited by Labcorp Genetics (formerly Invitae), Labcorp); PubMed 9536098 (cited by Labcorp Genetics (formerly Invitae), Labcorp).